The following is an entry in ClinVar:

ClinVar aggregate classification (germline): Benign (1 of 4 stars; one submission).

Allele frequency attached by ClinVar (database versions not stated): gnomAD 0.60787 and 0.61184; TOPMed 0.62751; 1000 Genomes Project 0.63818; 1000 Genomes Project 30x 0.64866.
gnomAD v4.1: 92,381 of 152,024 alleles (61%); highest among the groups gnomAD compares: African/African-American, 75%; 28,882 homozygotes.

Submission:

GeneDx
Classification: Benign. Last evaluated: 2018-06-19. Review status: criteria provided, single submitter. Criteria: GeneDx Variant Classification (06012015). Collection method: clinical testing. Allele origin: germline. Affected: yes.
Comment: This variant is considered likely benign or benign based on one or more of the following criteria: it is a conservative change, it occurs at a poorly conserved position in the protein, it is predicted to be benign by multiple in silico algorithms, and/or has population frequency not consistent with disease.

NM_020320.5(RARS2):c.613-3988G>A

Gene: RARS2 (arginyl-tRNA synthetase 2, mitochondrial; minus strand). Cytogenetic location: 6q15.
Variant type: single nucleotide variant.
Coding change: c.613-3988G>A on transcript NM_020320.5 (MANE Select); 3988 bases into the intron before coding-DNA position 613, G replaced by A.
Molecular consequence: intron variant.
Genome position (GRCh38, 1-based): chr6:87,534,930, C>T on the plus strand (G>A on the coding strand, the complement: RARS2 is on the minus strand). VCF-style: chr6-87534930-C-T. GRCh37 (hg19) VCF-style: chr6-88244648-C-T.
Other names: c.613-3988G>A (NM_001350505.2); c.88-3988G>A (NM_001350509.2, NM_001318785.2, NM_001350506.2 and 4 more transcripts).
Identifiers: ClinVar variation 683650 (VCV000683650.1), dbSNP rs10755484, ClinGen allele CA12343720.